The following is an entry in ClinVar:

NM_003661.4(APOL1):c.767A>G (p.Glu256Gly)

Gene: APOL1 (apolipoprotein L1; plus strand). Cytogenetic location: 22q12.3.
Variant type: single nucleotide variant.
Coding change: c.767A>G on transcript NM_003661.4 (MANE Select); coding-DNA position 767, A replaced by G.
Protein change: p.Glu256Gly; replaces glutamic acid 256 with glycine.
Molecular consequence: missense variant.
Genome position (GRCh38, 1-based): chr22:36,265,603, A>G. VCF-style: chr22-36265603-A-G. GRCh37 (hg19) VCF-style: chr22-36661649-A-G.
Other names: c.767A>G, p.Glu256Gly (NM_001136540.2); c.713A>G, p.Glu238Gly (NM_001136541.2, NM_001362927.2); c.815A>G, p.Glu272Gly (NM_145343.3); short protein forms E238G, E256G, E272G.
Identifiers: ClinVar variation 771542 (VCV000771542.11), dbSNP rs554687721, ClinGen allele CA10208747.

ClinVar aggregate classification (germline): Benign. Review status: criteria provided, single submitter (1 of 4 stars). 2 submissions from 2 submitters: Benign (1). 1 of the submissions does not count toward it. Last evaluated 2026-01-26.

Conditions:
APOL1-related disorder. Also called: APOL1-related condition.

Allele frequency attached by ClinVar (database versions not stated): ExAC 0.00120; gnomAD 0.00015; 1000 Genomes Project 30x 0.00016; 1000 Genomes Project 0.00020; gnomAD exomes 0.00026 and 0.00141; TOPMed 0.00066.
gnomAD v4.1: 384 of 1,596,432 alleles (0.024%); highest among the groups gnomAD compares: Admixed American, 0.66%; 6 homozygotes.

Submissions (2):

Labcorp Genetics (formerly Invitae), Labcorp
Classification: Benign. Last evaluated: 2026-01-26. Review status: criteria provided, single submitter. Criteria: Invitae Variant Classification Sherloc (09022015). Collection method: clinical testing. Allele origin: germline.

PreventionGenetics, part of Exact Sciences
Classification: Benign for APOL1-related condition. Last evaluated: 2020-01-20. Review status: no assertion criteria provided. Collection method: clinical testing. Allele origin: germline. Not counted in ClinVar's aggregate classification.
Comment: This variant is classified as benign based on ACMG/AMP sequence variant interpretation guidelines (Richards et al. 2015 PMID: 25741868, with internal and published modifications).